The following is an entry in ClinVar:

NM_001004334.4(GPR179):c.4841G>A (p.Gly1614Glu)

Gene: GPR179 (G protein-coupled receptor 179; minus strand). Cytogenetic location: 17q12.
Variant type: single nucleotide variant.
Coding change: c.4841G>A on transcript NM_001004334.4 (MANE Select); coding-DNA position 4841, G replaced by A.
Protein change: p.Gly1614Glu; replaces glycine 1614 with glutamic acid.
Molecular consequence: missense variant.
Genome position (GRCh38, 1-based): chr17:38,328,728, C>T on the plus strand (G>A on the coding strand, the complement: GPR179 is on the minus strand). VCF-style: chr17-38328728-C-T. GRCh37 (hg19) VCF-style: chr17-36484611-C-T.
Other names: short protein forms G1614E.
Identifiers: ClinVar variation 1438237 (VCV001438237.6), dbSNP rs2144258037, ClinGen allele CA398875992.

ClinVar aggregate classification (germline): Uncertain significance (1 of 4 stars; one submission).

Submission:

Labcorp Genetics (formerly Invitae), Labcorp
Classification: Uncertain significance. Last evaluated: 2021-11-23. Review status: criteria provided, single submitter. Criteria: Invitae Variant Classification Sherloc (09022015). Collection method: clinical testing. Allele origin: germline.
Comment: This sequence change replaces glycine, which is neutral and non-polar, with glutamic acid, which is acidic and polar, at codon 1614 of the GPR179 protein (p.Gly1614Glu). This variant is not present in population databases (gnomAD no frequency). This variant has not been reported in the literature in individuals affected with GPR179-related conditions. Algorithms developed to predict the effect of missense changes on protein structure and function output the following: SIFT: "Tolerated"; PolyPhen-2: "Benign"; Align-GVGD: "Class C0". The glutamic acid amino acid residue is found in multiple mammalian species, which suggests that this missense change does not adversely affect protein function. In summary, the available evidence is currently insufficient to determine the role of this variant in disease. Therefore, it has been classified as a Variant of Uncertain Significance.